The following is an entry in ClinVar:

ClinVar aggregate classification (germline): Uncertain significance (1 of 4 stars; one submission).

Allele frequency attached by ClinVar (database versions not stated): gnomAD exomes below 0.00001.
gnomAD v4.1: 1 of 1,602,358 alleles (0.000062%); highest among the groups gnomAD compares: South Asian, 0.0011%; no homozygotes.

Submission:

Labcorp Genetics (formerly Invitae), Labcorp
Classification: Uncertain significance. Last evaluated: 2022-08-03. Review status: criteria provided, single submitter. Criteria: Invitae Variant Classification Sherloc (09022015). Collection method: clinical testing. Allele origin: germline.
Comment: In summary, the available evidence is currently insufficient to determine the role of this variant in disease. Therefore, it has been classified as a Variant of Uncertain Significance. Algorithms developed to predict the effect of missense changes on protein structure and function (SIFT, PolyPhen-2, Align-GVGD) all suggest that this variant is likely to be tolerated. This variant has not been reported in the literature in individuals affected with ADGRV1-related conditions. This variant is present in population databases (no rsID available, gnomAD 0.003%). This sequence change replaces isoleucine, which is neutral and non-polar, with asparagine, which is neutral and polar, at codon 977 of the ADGRV1 protein (p.Ile977Asn).

NM_032119.4(ADGRV1):c.2930T>A (p.Ile977Asn)

Gene: ADGRV1 (adhesion G protein-coupled receptor V1; plus strand). Cytogenetic location: 5q14.3.
Variant type: single nucleotide variant.
Coding change: c.2930T>A on transcript NM_032119.4 (MANE Select); coding-DNA position 2930, T replaced by A.
Protein change: p.Ile977Asn; replaces isoleucine 977 with asparagine.
Molecular consequence: missense variant. On other transcripts: non-coding transcript variant (1).
Genome position (GRCh38, 1-based): chr5:90,645,999, T>A. VCF-style: chr5-90645999-T-A. GRCh37 (hg19) VCF-style: chr5-89941816-T-A.
Other names: short protein forms I977N.
Identifiers: ClinVar variation 1714874 (VCV001714874.5), dbSNP rs1314863178, ClinGen allele CA360392735.